The following is an entry in ClinVar:

ClinVar aggregate classification (germline): Likely pathogenic (1 of 4 stars; one submission).

Conditions:
Hypotonia, infantile, with psychomotor retardation and characteristic facies 2 (IHPRF2). Also called: UNC80 Deficiency. Identifiers: Orphanet 371364, Orphanet 700333, MedGen C4225203, MONDO:0014777, OMIM 616801.

Submission:

Juno Genomics, Hangzhou Juno Genomics, Inc
Classification: Likely pathogenic for Hypotonia, infantile, with psychomotor retardation and characteristic facies 2. Review status: criteria provided, single submitter. Criteria: ACMG Guidelines, 2015. Collection method: clinical testing. Allele origin: germline.
Comment: Absent from controls (or at extremely low frequency if recessive) in Genome Aggregation Database.;Null variant in a gene where loss of function (LOF) is a known mechanism of disease.

NM_001371986.1(UNC80):c.9187_9188delinsT (p.Arg3063fs)

Gene: UNC80 (unc-80 subunit of NALCN channel complex; plus strand). Cytogenetic location: 2q34.
Variant type: Indel.
Coding change: c.9187_9188delinsT on transcript NM_001371986.1 (MANE Select); coding-DNA positions 9187 to 9188, AG replaced by T.
Protein change: p.Arg3063fs; shifts the reading frame from arginine 3063.
Molecular consequence: frameshift variant.
Genome position (GRCh38, 1-based): chr2:209,982,247-209,982,248, AG replaced by T. VCF-style: chr2-209982247-AG-T. GRCh37 (hg19) VCF-style: chr2-210846971-AG-T.
Other names: c.8989_8990delinsT, p.Arg2997fs (NM_032504.2); c.8974_8975delinsT, p.Arg2992fs (NM_182587.4); short protein forms R2992fs, R2997fs, R3063fs.
Identifiers: ClinVar variation 5019467 (VCV005019467.2).